The following is an entry in ClinVar:

ClinVar aggregate classification (germline): Likely pathogenic. Review status: criteria provided, multiple submitters, no conflicts (2 of 4 stars). 2 submissions from 2 submitters: Likely pathogenic (2). Last evaluated 2025-07-07.

Conditions:
Mitochondrial DNA depletion syndrome 9 (MTDPS9). Also called: SUCLG1-Related Mitochondrial DNA Depletion Syndrome, Encephalomyopathic Form with Methylmalonic Aciduria. Identifiers: Orphanet 17, MedGen C3151476, MONDO:0009504, OMIM 245400.

Allele frequency attached by ClinVar (database versions not stated): ExAC 0.00002; gnomAD 0.00002; gnomAD exomes 0.00002 and 0.00003; TOPMed 0.00002.

Submissions (3):

Labcorp Genetics (formerly Invitae), Labcorp
Classification: Likely pathogenic for Mitochondrial DNA depletion syndrome 9. Last evaluated: 2025-07-07. Review status: criteria provided, single submitter. Criteria: Invitae Variant Classification Sherloc (09022015). Collection method: clinical testing. Allele origin: germline.
Comment: This sequence change affects a donor splice site in intron 7 of the SUCLG1 gene. It is expected to disrupt RNA splicing. Variants that disrupt the donor or acceptor splice site typically lead to a loss of protein function (PMID: 16199547), and loss-of-function variants in SUCLG1 are known to be pathogenic (PMID: 20693550). This variant is present in population databases (rs750388794, gnomAD 0.004%). Disruption of this splice site has been observed in individual(s) with SUCLG1-related conditions (PMID: 38703036). ClinVar contains an entry for this variant (Variation ID: 632364). Algorithms developed to predict the effect of sequence changes on RNA splicing suggest that this variant may disrupt the consensus splice site. In summary, the currently available evidence indicates that the variant is pathogenic, but additional data are needed to prove that conclusively. Therefore, this variant has been classified as Likely Pathogenic.

Service de Génétique Médicale, Centre Hospitalier Universitaire de Nice-Université Côte d'Azur
Classification: Likely pathogenic for Mitochondrial DNA depletion syndrome 9. Last evaluated: 2024-02-27. Review status: criteria provided, single submitter. Criteria: ACMG Guidelines, 2015. Collection method: clinical testing. Allele origin: germline. Affected: yes.

Dr. Peter K. Rogan Lab, Western University
No classification provided (evidence only). Condition: Melanoma. Review status: no classification provided. Collection method: in vitro. Allele origin: not applicable. Functional consequence: skipped exon. Not counted in ClinVar's aggregate classification.

Literature cited by the submitters: PubMed 16199547 (cited by Labcorp Genetics (formerly Invitae), Labcorp); PubMed 20693550 (cited by Labcorp Genetics (formerly Invitae), Labcorp); PubMed 38703036 (cited by Labcorp Genetics (formerly Invitae), Labcorp and Service de Génétique Médicale, Centre Hospitalier Universitaire de Nice-Université Côte d'Azur).

NM_003849.4(SUCLG1):c.825+1G>A

Gene: SUCLG1 (succinate-CoA ligase GDP/ADP-forming subunit alpha; minus strand). Cytogenetic location: 2p11.2.
Variant type: single nucleotide variant.
Coding change: c.825+1G>A on transcript NM_003849.4 (MANE Select); the canonical splice donor site of the intron after coding-DNA position 825, G replaced by A.
Molecular consequence: splice donor variant.
Genome position (GRCh38, 1-based): chr2:84,431,507, C>T on the plus strand (G>A on the coding strand, the complement: SUCLG1 is on the minus strand). VCF-style: chr2-84431507-C-T. GRCh37 (hg19) VCF-style: chr2-84658631-C-T.
Identifiers: ClinVar variation 632364 (VCV000632364.12), dbSNP rs750388794, ClinGen allele CA1736174.